The following is an entry in ClinVar:

ClinVar aggregate classification (germline): Benign. Review status: criteria provided, multiple submitters, no conflicts (2 of 4 stars). 3 submissions from 3 submitters: Benign (2). 1 of the submissions does not count toward it. Last evaluated 2026-02-01.

Conditions:
TRAK1-related disorder. Also called: TRAK1-related condition.

Allele frequency attached by ClinVar (database versions not stated): 1000 Genomes Project 0.04932; 1000 Genomes Project 30x 0.04997; TOPMed 0.05576; gnomAD exomes 0.05869 and 0.06658; gnomAD 0.05998 and 0.06045; ESP Exome Variant Server 0.06089; ExAC 0.06262.
gnomAD v4.1: 106,007 of 1,612,864 alleles (6.6%); highest among the groups gnomAD compares: Middle Eastern, 8%; 3,804 homozygotes.

Submissions (3):

Labcorp Genetics (formerly Invitae), Labcorp
Classification: Benign. Last evaluated: 2026-02-01. Review status: criteria provided, single submitter. Criteria: Invitae Variant Classification Sherloc (09022015). Collection method: clinical testing. Allele origin: germline.

Breakthrough Genomics
Classification: Benign. Review status: criteria provided, single submitter. Criteria: ACMG Guidelines, 2015. Collection method: not provided. Allele origin: germline. Inheritance: Autosomal recessive inheritance. Affected: yes.

PreventionGenetics, part of Exact Sciences
Classification: Benign for TRAK1-related condition. Last evaluated: 2024-03-05. Review status: no assertion criteria provided. Collection method: clinical testing. Allele origin: germline. Not counted in ClinVar's aggregate classification.
Comment: This variant is classified as benign based on ACMG/AMP sequence variant interpretation guidelines (Richards et al. 2015 PMID: 25741868, with internal and published modifications).

NM_001042646.3(TRAK1):c.481-10G>T

Gene: TRAK1 (trafficking kinesin protein 1; plus strand). Cytogenetic location: 3p22.1.
Variant type: single nucleotide variant.
Coding change: c.481-10G>T on transcript NM_001042646.3 (MANE Select); 10 bases into the intron before coding-DNA position 481, G replaced by T.
Molecular consequence: intron variant.
Genome position (GRCh38, 1-based): chr3:42,188,035, G>T. VCF-style: chr3-42188035-G-T. GRCh37 (hg19) VCF-style: chr3-42229527-G-T.
Other names: c.481-10G>T (NM_001042646.2, NM_001349247.2, NM_001349246.2 and 1 more transcripts); c.169-10G>T (NM_001349245.1); c.259-10G>T (NM_001349249.1, NM_001349248.1, NM_001265609.2 and 1 more transcripts); c.307-10G>T (NM_014965.5).
Identifiers: ClinVar variation 1666680 (VCV001666680.11), dbSNP rs74685550, ClinGen allele CA2333140.